The following is an entry in ClinVar:

NM_001244710.2(GFPT1):c.1726-2A>G

Gene: GFPT1 (glutamine--fructose-6-phosphate transaminase 1; minus strand). Cytogenetic location: 2p13.3.
Variant type: single nucleotide variant.
Coding change: c.1726-2A>G on transcript NM_001244710.2 (MANE Select); the canonical splice acceptor site of the intron before coding-DNA position 1726, A replaced by G.
Molecular consequence: splice acceptor variant.
Genome position (GRCh38, 1-based): chr2:69,328,440, T>C on the plus strand (A>G on the coding strand, the complement: GFPT1 is on the minus strand). VCF-style: chr2-69328440-T-C. GRCh37 (hg19) VCF-style: chr2-69555572-T-C.
Other names: c.1672-2A>G (NM_002056.4).
Identifiers: ClinVar variation 4735395 (VCV004735395.1).
Genomic context (GRCh38, chr2:69,328,440, plus strand): 5'-TGTTTCAATTCACCAGCAAGGATGCCTTCAGAGTGCATATAAGTAATTTCTTTGATTTTC[T>C]AATAGGAAAGAACCAGATTTGTCTTCAATCCACTTTTCAAAAATCCATGTTTAAGTAAAT-3'

ClinVar aggregate classification (germline): Likely pathogenic (1 of 4 stars; one submission).

Conditions:
Congenital myasthenic syndrome 12 (CMS12). Also called: MYASTHENIC SYNDROME, CONGENITAL, WITH TUBULAR AGGREGATES 1; Myasthenia, congenital, 12, with tubular aggregates. Identifiers: Orphanet 353327, Orphanet 590, MedGen C3552335, MONDO:0012518, OMIM 610542.

Submission:

Labcorp Genetics (formerly Invitae), Labcorp
Classification: Likely pathogenic for Congenital myasthenic syndrome 12. Last evaluated: 2026-01-14. Review status: criteria provided, single submitter. Criteria: Invitae Variant Classification Sherloc (09022015). Collection method: clinical testing. Allele origin: germline.
Comment: This sequence change affects an acceptor splice site in intron 17 of the GFPT1 gene. It is expected to disrupt RNA splicing. Variants that disrupt the donor or acceptor splice site typically lead to a loss of protein function (PMID: 16199547), and loss-of-function variants in GFPT1 are known to be pathogenic (PMID: 23794683). This variant is not present in population databases (gnomAD no frequency). This variant has not been reported in the literature in individuals affected with GFPT1-related conditions. Algorithms developed to predict the effect of sequence changes on RNA splicing suggest that this variant may disrupt the consensus splice site. In summary, the currently available evidence indicates that the variant is pathogenic, but additional data are needed to prove that conclusively. Therefore, this variant has been classified as Likely Pathogenic.

Literature cited by the submitters: PubMed 16199547; PubMed 23794683.